The following is an entry in ClinVar:

ClinVar aggregate classification (germline): Uncertain significance. Review status: criteria provided, multiple submitters, no conflicts (2 of 4 stars). 3 submissions from 3 submitters: Uncertain significance (3). Last evaluated 2026-04-29.

Conditions:
KCNN4-related disorder. Also called: KCNN4-related condition.
Dehydrated hereditary stomatocytosis 2 (DHS2). Also called: XEROCYTOSIS GARDOS; DESICCYTOSIS GARDOS. Identifiers: Orphanet 3202, MedGen C4225242, MONDO:0014737, OMIM 616689.
Inborn genetic diseases. Identifiers: MedGen C0950123, MeSH D030342.

gnomAD v4.1: 4 of 1,510,582 alleles (0.00026%); highest among the groups gnomAD compares: Admixed American, 0.0044%; no homozygotes.

Submissions (3):

PreventionGenetics, part of Exact Sciences
Classification: Uncertain significance for KCNN4-related condition. Last evaluated: 2026-04-29. Review status: criteria provided, single submitter. Criteria: ACMG Guidelines, 2015. Collection method: clinical testing. Allele origin: germline.
Comment: The KCNN4 c.271A>T variant is predicted to result in the amino acid substitution p.Asn91Tyr. To our knowledge, this variant has not been reported in the literature or in a population database (gnomAD). At this time, the clinical significance of this variant is uncertain due to the absence of conclusive functional and genetic evidence.

Ambry Genetics
Classification: Uncertain significance for Inborn genetic diseases. Last evaluated: 2025-04-19. Review status: criteria provided, single submitter. Criteria: Ambry Variant Classification Scheme 2023. Collection method: clinical testing. Allele origin: germline.

Revvity Omics, Revvity
Classification: Uncertain significance for Dehydrated hereditary stomatocytosis 2. Last evaluated: 2024-06-04. Review status: criteria provided, single submitter. Criteria: ACMG Guidelines, 2015. Collection method: clinical testing. Allele origin: germline.

NM_002250.3(KCNN4):c.271A>T (p.Asn91Tyr)

Gene: KCNN4 (potassium calcium-activated channel subfamily N member 4; minus strand). Cytogenetic location: 19q13.31.
Variant type: single nucleotide variant.
Coding change: c.271A>T on transcript NM_002250.3 (MANE Select); coding-DNA position 271, A replaced by T.
Protein change: p.Asn91Tyr; replaces asparagine 91 with tyrosine.
Molecular consequence: missense variant.
Genome position (GRCh38, 1-based): chr19:43,774,604, T>A on the plus strand (A>T on the coding strand, the complement: KCNN4 is on the minus strand). VCF-style: chr19-43774604-T-A. GRCh37 (hg19) VCF-style: chr19-44278756-T-A.
Other names: short protein forms N91Y.
Identifiers: ClinVar variation 4041801 (VCV004041801.3).